The following is an entry in ClinVar:

ClinVar aggregate classification (germline): Uncertain significance. Review status: criteria provided, multiple submitters, no conflicts (2 of 4 stars). 2 submissions from 2 submitters: Uncertain significance (2). Last evaluated 2024-03-01.

Conditions:
Bethlem myopathy 1A. Also called: Bethlem myopathy 1; MYOPATHY, BENIGN CONGENITAL, WITH CONTRACTURES; Bethlem Muscular Dystrophy. Identifiers: Orphanet 610, MedGen CN029274, MONDO:0024530, OMIM 158810.

Allele frequency attached by ClinVar (database versions not stated): ExAC 0.00001; gnomAD exomes 0.00001.
gnomAD v4.1: 5 of 1,614,266 alleles (0.00031%); highest among the groups gnomAD compares: Non-Finnish European, 0.00034%; no homozygotes.

Submissions (2):

CeGaT Center for Human Genetics Tuebingen
Classification: Uncertain significance. Last evaluated: 2024-03-01. Review status: criteria provided, single submitter. Criteria: CeGaT Center For Human Genetics Tuebingen Variant Classification Criteria Version 2. Collection method: clinical testing. Allele origin: germline. Affected: yes. Observed: 1 variant allele.

Labcorp Genetics (formerly Invitae), Labcorp
Classification: Uncertain significance for Bethlem myopathy 1A. Last evaluated: 2019-11-27. Review status: criteria provided, single submitter. Criteria: Invitae Variant Classification Sherloc (09022015). Collection method: clinical testing. Allele origin: germline.
Comment: This variant is present in population databases (rs780262157, ExAC 0.001%). This sequence change replaces glycine with serine at codon 526 of the COL6A3 protein (p.Gly526Ser). The glycine residue is highly conserved and there is a small physicochemical difference between glycine and serine. This variant has not been reported in the literature in individuals with COL6A3-related conditions. In summary, the available evidence is currently insufficient to determine the role of this variant in disease. Therefore, it has been classified as a Variant of Uncertain Significance. Algorithms developed to predict the effect of missense changes on protein structure and function are either unavailable or do not agree on the potential impact of this missense change (SIFT: "Tolerated"; PolyPhen-2: "Probably Damaging"; Align-GVGD: "Class C0").

NM_004369.4(COL6A3):c.1576G>A (p.Gly526Ser)

Gene: COL6A3 (collagen type VI alpha 3 chain; minus strand). Cytogenetic location: 2q37.3.
Variant type: single nucleotide variant.
Coding change: c.1576G>A on transcript NM_004369.4 (MANE Select); coding-DNA position 1576, G replaced by A.
Protein change: p.Gly526Ser; replaces glycine 526 with serine.
Molecular consequence: missense variant.
Genome position (GRCh38, 1-based): chr2:237,381,236, C>T on the plus strand (G>A on the coding strand, the complement: COL6A3 is on the minus strand). VCF-style: chr2-237381236-C-T. GRCh37 (hg19) VCF-style: chr2-238289879-C-T.
Other names: c.355G>A, p.Gly119Ser (NM_057164.5, NM_057166.5); c.958G>A, p.Gly320Ser (NM_057165.5, NM_057167.4); short protein forms G526S, G320S, G119S.
Identifiers: ClinVar variation 863099 (VCV000863099.31), dbSNP rs780262157, ClinGen allele CA2189589.